The following is an entry in ClinVar:

ClinVar aggregate classification (germline): Uncertain significance (1 of 4 stars; one submission).

Conditions:
Early-infantile DEE. Also called: Early infantile epileptic encephalopathy with suppression bursts; Early infantile epileptic encephalopathy; Ohtahara syndrome. Identifiers: Orphanet 1934, MedGen C0393706, MONDO:0800491.

Submission:

Labcorp Genetics (formerly Invitae), Labcorp
Classification: Uncertain significance for Early-infantile DEE. Last evaluated: 2021-07-27. Review status: criteria provided, single submitter. Criteria: Invitae Variant Classification Sherloc (09022015). Collection method: clinical testing. Allele origin: germline.
Comment: This sequence change falls in intron 9 of the CACNA2D2 gene. It does not directly change the encoded amino acid sequence of the CACNA2D2 protein. It affects a nucleotide within the consensus splice site of the intron. Nucleotide substitutions within the consensus splice site are a relatively common cause of aberrant splicing (PMID: 17576681, 9536098). Algorithms developed to predict the effect of sequence changes on RNA splicing suggest that this variant may disrupt the consensus splice site. This variant has not been reported in the literature in individuals affected with CACNA2D2-related conditions. This variant is not present in population databases (ExAC no frequency). In summary, the available evidence is currently insufficient to determine the role of this variant in disease. Therefore, it has been classified as a Variant of Uncertain Significance.

Literature cited by the submitters: PubMed 17576681; PubMed 9536098.

NM_006030.4(CACNA2D2):c.893+3G>C

Gene: CACNA2D2 (calcium voltage-gated channel auxiliary subunit alpha2delta 2; minus strand). Cytogenetic location: 3p21.31.
Variant type: single nucleotide variant.
Coding change: c.893+3G>C on transcript NM_006030.4 (MANE Select); 3 bases into the intron after coding-DNA position 893, G replaced by C.
Molecular consequence: intron variant.
Genome position (GRCh38, 1-based): chr3:50,379,965, C>G on the plus strand (G>C on the coding strand, the complement: CACNA2D2 is on the minus strand). VCF-style: chr3-50379965-C-G. GRCh37 (hg19) VCF-style: chr3-50417396-C-G.
Other names: c.686+3G>C (NM_001291101.1); c.893+3G>C (NM_001005505.3, NM_001174051.3).
Identifiers: ClinVar variation 1370199 (VCV001370199.7), dbSNP rs2106664058, ClinGen allele CA2573137142.